The following is an entry in ClinVar:

NM_000383.4(AIRE):c.173C>G (p.Ala58Gly)

Gene: AIRE (autoimmune regulator; plus strand). Cytogenetic location: 21q22.3.
Variant type: single nucleotide variant.
Coding change: c.173C>G on transcript NM_000383.4 (MANE Select); coding-DNA position 173, C replaced by G.
Protein change: p.Ala58Gly; replaces alanine 58 with glycine.
Molecular consequence: missense variant.
Genome position (GRCh38, 1-based): chr21:44,286,597, C>G. VCF-style: chr21-44286597-C-G. GRCh37 (hg19) VCF-style: chr21-45706480-C-G.
Other names: c.173C>G (NM_000383.3); short protein forms A58G.
Identifiers: ClinVar variation 1480781 (VCV001480781.10), dbSNP rs747941115, ClinGen allele CA10051495.

ClinVar aggregate classification (germline): Pathogenic/Likely pathogenic. Review status: criteria provided, multiple submitters, no conflicts (2 of 4 stars). 3 submissions from 3 submitters: Pathogenic (1); Likely pathogenic (2). Last evaluated 2026-01-05.

Conditions:
Polyglandular autoimmune syndrome, type 1 (APS1). Also called: Autoimmune polyendocrinopathy syndrome, type I; Autoimmune polyendocrinopathy syndrome , type I, with or without reversible metaphyseal dysplasia; PGA I; AUTOIMMUNE POLYENDOCRINE SYNDROME, TYPE I, WITH OR WITHOUT REVERSIBLE METAPHYSEAL DYSPLASIA; HYPOADRENOCORTICISM WITH HYPOPARATHYROIDISM AND SUPERFICIAL MONILIASIS; Autoimmune polyendocrine syndrome type 1. Identifiers: Orphanet 3453, MedGen C0085859, MONDO:0009411, OMIM 240300.

Allele frequency attached by ClinVar (database versions not stated): gnomAD exomes below 0.00001 and 0.00001; ExAC 0.00001; TOPMed 0.00001.
gnomAD v4.1: 9 of 1,612,594 alleles (0.00056%); highest among the groups gnomAD compares: African/African-American, 0.0013%; no homozygotes.

Submissions (3):

Labcorp Genetics (formerly Invitae), Labcorp
Classification: Pathogenic for Polyglandular autoimmune syndrome, type 1. Last evaluated: 2026-01-05. Review status: criteria provided, single submitter. Criteria: Invitae Variant Classification Sherloc (09022015). Collection method: clinical testing. Allele origin: germline.
Comment: This sequence change replaces alanine, which is neutral and non-polar, with glycine, which is neutral and non-polar, at codon 58 of the AIRE protein (p.Ala58Gly). This variant is present in population databases (rs747941115, gnomAD 0.0009%). This missense change has been observed in individual(s) with clinical features of autosomal recessive autoimmune polyendocrinopathy syndrome (PMID: 18320920). In at least one individual the data is consistent with being in trans (on the opposite chromosome) from a pathogenic variant. ClinVar contains an entry for this variant (Variation ID: 1480781). Invitae Evidence Modeling of protein sequence and biophysical properties (such as structural, functional, and spatial information, amino acid conservation, physicochemical variation, residue mobility, and thermodynamic stability) indicates that this missense variant is expected to disrupt AIRE protein function with a positive predictive value of 95%. This variant disrupts the p.Ala58 amino acid residue in AIRE. Other variant(s) that disrupt this residue have been determined to be pathogenic (PMID: 26114819, 28911151, 30003128). This suggests that this residue is clinically significant, and that variants that disrupt this residue are likely to be disease-causing. For these reasons, this variant has been classified as Pathogenic.

Women's Health and Genetics/Laboratory Corporation of America, LabCorp
Classification: Likely pathogenic for Polyglandular autoimmune syndrome, type 1. Last evaluated: 2025-06-24. Review status: criteria provided, single submitter. Criteria: LabCorp Variant Classification Summary - May 2015. Collection method: clinical testing. Allele origin: germline.
Comment: Variant summary: AIRE c.173C>G (p.Ala58Gly) results in a non-conservative amino acid change in the encoded protein sequence. Algorithms developed to predict the effect of missense changes on protein structure and function all suggest that this variant is likely to be disruptive. The variant allele was found at a frequency of 4e-06 in 250242 control chromosomes. c.173C>G has been observed in individual(s) affected with Autoimmune Polyglandular Syndrome Type 1 (Bhui_2008, internal data). These data indicate that the variant may be associated with disease. To our knowledge, no experimental evidence demonstrating an impact on protein function has been reported. However, at least two different variants affecting the same codon meet criteria for classification as likely pathogenic/pathogenic by our lab (c.173C>A, p.Ala58Asp and c.173C>T, p.Ala58Val), supporting the critical relevance of codon 58 to AIRE protein function. The following publication has been ascertained in the context of this evaluation (PMID: 18320920). ClinVar contains an entry for this variant (Variation ID: 1480781). Based on the evidence outlined above, the variant was classified as likely pathogenic.

Natera, Inc.
Classification: Likely pathogenic for Polyglandular autoimmune syndrome type 1. Last evaluated: 2024-03-25. Review status: criteria provided, single submitter. Criteria: Natera Variant Classification Schema (03/2026). Collection method: clinical testing. Allele origin: germline.
Comment: The c.173C>G variant in AIRE is a missense variant predicted to cause substitution of alanine to glycine at amino acid 58. This variant is rare in the general population with a frequency below the threshold expected for the associated phenotype(s). This variant has been observed in one or more individuals affected with the associated recessive disease, as either homozygous or compound heterozygous with a second variant (PMID: 18320920). A different variant at the same position has been determined to be Pathogenic or Likely Pathogenic. Computational prediction algorithms indicate this variant is likely to affect gene or protein function. Given the available evidence, this variant is classified as Likely Pathogenic.

Literature cited by the submitters: PubMed 18320920 (cited by 3 submitters); PubMed 26114819 (cited by Labcorp Genetics (formerly Invitae), Labcorp); PubMed 28911151 (cited by Labcorp Genetics (formerly Invitae), Labcorp); PubMed 30003128 (cited by Labcorp Genetics (formerly Invitae), Labcorp).